The following is an entry in ClinVar:

NM_006486.3(FBLN1):c.1698-11497C>T

Gene: FBLN1 (fibulin 1; plus strand). Cytogenetic location: 22q13.31.
Variant type: single nucleotide variant.
Coding change: c.1698-11497C>T on transcript NM_006486.3 (MANE Select); 11497 bases into the intron before coding-DNA position 1698, C replaced by T.
Molecular consequence: intron variant. On other transcripts: synonymous variant (1).
Genome position (GRCh38, 1-based): chr22:45,563,014, C>T. VCF-style: chr22-45563014-C-T. GRCh37 (hg19) VCF-style: chr22-45958894-C-T.
Other names: c.1800C>T, p.Pro600= (NM_001996.4); c.1698-1870C>T (NM_006485.4).
Identifiers: ClinVar variation 3046283 (VCV003046283.2), dbSNP rs761425321, ClinGen allele CA10287079.
Genomic context (GRCh38, chr22:45,563,014, plus strand): 5'-CAAGCTGCCTCTGAGAATAACCTACTACCACCTCTCTTTCCCCACCAACATCCAAGCGCC[C>T]GCGGTGGTTTTCCGCATGGGCCCCTCCAGTGCTGTCCCCGGGGACAGCATGCAGCTGGCC-3'

ClinVar aggregate classification (germline): Likely benign (0 of 4 stars; one submission).

Conditions:
FBLN1-related disorder. Also called: FBLN1-related condition.

Allele frequency attached by ClinVar (database versions not stated): gnomAD exomes 0.00004; ExAC 0.00006; TOPMed 0.00006; gnomAD 0.00010.
gnomAD v4.1: 77 of 1,613,450 alleles (0.0048%); highest among the groups gnomAD compares: South Asian, 0.016%; no homozygotes.

Submission:

PreventionGenetics, part of Exact Sciences
Classification: Likely benign for FBLN1-related condition. Last evaluated: 2019-11-14. Review status: no assertion criteria provided. Collection method: clinical testing. Allele origin: germline.
Comment: This variant is classified as likely benign based on ACMG/AMP sequence variant interpretation guidelines (Richards et al. 2015 PMID: 25741868, with internal and published modifications).